The following is an entry in ClinVar:

ClinVar aggregate classification (germline): Pathogenic/Likely pathogenic. Review status: criteria provided, multiple submitters, no conflicts (2 of 4 stars). 12 submissions from 12 submitters: Pathogenic (9); Likely pathogenic (2). 1 of the submissions does not count toward it. Last evaluated 2026-04-27.

Conditions:
AR-related disorder. Also called: AR-related condition.
Kennedy disease (SMAX1). Also called: KENNEDY SPINAL AND BULBAR MUSCULAR ATROPHY; Spinal and Bulbar Muscular Atrophy; SPINAL AND BULBAR MUSCULAR ATROPHY, X-LINKED 1. Identifiers: Orphanet 481, MedGen C1839259, MONDO:0010735, OMIM 313200.
Androgen resistance syndrome (AIS). Also called: Androgen insensitivity; TESTICULAR FEMINIZATION SYNDROME; DIHYDROTESTOSTERONE RECEPTOR DEFICIENCY; Androgen insensitivity syndrome; Androgen insensitivity syndrome due to coactivator deficiency; DHTR DEFICIENCY. Identifiers: Orphanet 754, Orphanet 99429, MedGen C0039585, MONDO:0019154, OMIM 300068. Disease mechanism: loss of function.
Hypospadias 1, X-linked (HYSP1). Identifiers: Orphanet 440, MedGen C2678098, MONDO:0010384, OMIM 300633.
Partial androgen insensitivity syndrome (PAIS). Also called: Androgen resistance syndrome, partial; Type I familial incomplete male pseudohermaphroditism; Partial Androgen Insensitivity Syndrome (PAIS); Reifenstein syndrome; Gynecomastia, familial; Pseudohermaphroditism, Incomplete male, type I. Identifiers: Orphanet 90797, MedGen C0268301, MONDO:0010720, OMIM 312300.
Differences in sex development.

Allele frequency attached by ClinVar (database versions not stated): ExAC 0.00001; gnomAD 0.00001 and 0.00002; gnomAD exomes 0.00001 and 0.00002; TOPMed 0.00001; ESP Exome Variant Server 0.00009.
gnomAD v4.1: 22 of 1,207,648 alleles (0.0018%); highest among the groups gnomAD compares: African/African-American, 0.0035%; no homozygotes.

Submissions 1 to 8 of 12:

PreventionGenetics, part of Exact Sciences
Classification: Pathogenic for AR-related condition. Last evaluated: 2026-04-27. Review status: criteria provided, single submitter. Criteria: ACMG Guidelines, 2015. Collection method: clinical testing. Allele origin: germline.
Comment: The AR c.2612C>T variant is predicted to result in the amino acid substitution p.Ala871Val. This variant has been reported in multiple individuals with partial androgen insensitivity syndrome (Hiort et al. 1996. PubMed ID: 8723113; Su et al. 2017. PubMed ID: 28261839; Zhang et al. 2019. PubMed ID: 31219235; Kumar et al. 2021. PubMed ID: 34689141; Table S1, Gabriel et al. 2021. PubMed ID: 34958143). This variant is reported in 0.015% of alleles in individuals of African descent in gnomAD. This variant is interpreted as pathogenic.

NHS Central & South Genomic Laboratory Hub
Classification: Likely pathogenic for Differences in sex development. Last evaluated: 2025-10-21. Review status: criteria provided, single submitter. Criteria: ACMG Guidelines, 2015. Collection method: clinical testing. Allele origin: germline. Affected: yes.

Equipe Genetique des Anomalies du Developpement, Université de Bourgogne
Classification: Pathogenic for Partial androgen insensitivity syndrome. Last evaluated: 2025-07-17. Review status: criteria provided, single submitter. Criteria: ACMG Guidelines, 2015. Collection method: clinical testing. Allele origin: maternal. Affected: yes.
Comment: This is a missense, hemizygous variant NM_000044.6:c.2612C>T p.(Ala871Val) in the gene AR. In silico prediction scores are discordants regarding a deleterious effect. This variant impacts an amino acid that is 80% conserved in vertebrates and is situated in a functional domain. It was previously reported as pathogenic in ClinVar (RCV000582850.6) and is present 20 times in database gnomAD (v4.1.0). Pathogenic monoallelic variants in this gene are responsible for partial androgen insensivity (MIM #312300), of recessive X-linked inheritance. According to available evidence, this variant is considered to be pathogenic.

Labcorp Genetics (formerly Invitae), Labcorp
Classification: Pathogenic for Kennedy disease; Androgen resistance syndrome. Last evaluated: 2024-03-24. Review status: criteria provided, single submitter. Criteria: Invitae Variant Classification Sherloc (09022015). Collection method: clinical testing. Allele origin: germline.
Comment: This sequence change replaces alanine, which is neutral and non-polar, with valine, which is neutral and non-polar, at codon 871 of the AR protein (p.Ala871Val). The frequency data for this variant in the population databases is considered unreliable, as metrics indicate poor data quality at this position in the gnomAD database. This missense change has been observed in individuals with androgen insensitivity syndrome (PMID: 8033918, 8723113, 20305676, 28261839). This variant is also known as p.Ala870Val. ClinVar contains an entry for this variant (Variation ID: 492801). Advanced modeling of protein sequence and biophysical properties (such as structural, functional, and spatial information, amino acid conservation, physicochemical variation, residue mobility, and thermodynamic stability) has been performed at Invitae for this missense variant, however the output from this modeling did not meet the statistical confidence thresholds required to predict the impact of this variant on AR protein function. This variant disrupts the p.Ala871 amino acid residue in AR. Other variant(s) that disrupt this residue have been observed in individuals with AR-related conditions (PMID: 7981687, 8723113, 9332480), which suggests that this may be a clinically significant amino acid residue. For these reasons, this variant has been classified as Pathogenic.

Victorian Clinical Genetics Services, Murdoch Childrens Research Institute
Classification: Pathogenic for Androgen resistance syndrome. Last evaluated: 2023-12-21. Review status: criteria provided, single submitter. Criteria: ACMG Guidelines, 2015. Collection method: clinical testing. Allele origin: germline. Inheritance: X-linked recessive inheritance. Affected: yes.
Comment: Based on the classification scheme VCGS_Germline_v1.3.4, this variant is classified as Pathogenic. Following criteria are met: 0102 - Loss of function is a known mechanism of disease in this gene and is associated with androgen insensitivity (MIM#300068), androgen insensitivity, partial, with or without breast cancer (MIM#312300), hypospadias 1, X-linked (MIM#300633), or spinal and bulbar muscular atrophy of Kennedy (MIM#313200). (I) 0109 - This gene is associated with X-linked recessive disease. (I) 0200 - Variant is predicted to result in a missense amino acid change from alanine to valine. (I) 0253 - This variant is hemizygous. (I) 0304 - Variant is present in gnomAD (v2 and v3) <0.01 for a recessive condition (2 heterozygotes, 0 homozygotes, 0 hemizygotes). (SP) 0502 - Missense variant with conflicting in silico predictions and uninformative conservation. (I) 0600 - Variant is located in the annotated ligand-binding domain of nuclear hormone receptor (DECIPHER). (I) 0801 - This variant has strong previous evidence of pathogenicity in unrelated individuals. This variant has been classified as pathogenic by multiple clinical laboratories in ClinVar, and has been reported in several individuals with 46,XY differences of sex development in the literature (PMIDs: 8033918, 28261839, 34689141, 27051040). (SP) 1208 - Inheritance information for this variant is not currently available in this individual. (I) Legend: (SP) - Supporting pathogenic, (I) - Information, (SB) - Supporting benign

Institute of Human Genetics, University of Leipzig Medical Center
Classification: Pathogenic for Androgen resistance syndrome. Last evaluated: 2023-06-21. Review status: criteria provided, single submitter. Criteria: ACMG Guidelines, 2015. Collection method: clinical testing. Allele origin: unknown. Inheritance: X-linked recessive inheritance. Affected: yes.
Comment: Criteria applied: PS4,PM5_STR,PM1,PM2_SUP,PP3,PP4

Women's Health and Genetics/Laboratory Corporation of America, LabCorp
Classification: Pathogenic for Androgen resistance syndrome. Last evaluated: 2023-05-19. Review status: criteria provided, single submitter. Criteria: LabCorp Variant Classification Summary - May 2015. Collection method: clinical testing. Allele origin: germline.
Comment: Variant summary: AR c.2612C>T (p.Ala871Val) results in a non-conservative amino acid change located in the Nuclear hormone receptor, ligand-binding domain (IPR000536) of the encoded protein sequence. Three of five in-silico tools predict a damaging effect of the variant on protein function. The variant allele was found at a frequency of 1.1e-05 in 181154 control chromosomes (i.e, 2 heterozygous female carriers; gnomAD). The available data on variant occurrences in the general population are insufficient to allow any conclusion about variant significance. c.2612C>T has been reported in the literature in multiple hemizygous males affected with Androgen Resistance Syndrome (e.g., Hiort_1994, Hiort_1996, Bhangoo_2010, Zhang_2019, Kumar_2022). These data indicate that the variant is very likely to be associated with disease. The following publications have been ascertained in the context of this evaluation (PMID: 20305676, 8723113, 8033918, 34689141, 31219235). Four ClinVar submitters (evaluation after 2014) have cited the variant, and all submitters classified the variant as pathogenic. Based on the evidence outlined above, the variant was classified as pathogenic.

Institute of Human Genetics, FAU Erlangen, Friedrich-Alexander-Universität Erlangen-Nürnberg
Classification: Pathogenic for Hypospadias 1, X-linked. Last evaluated: 2023-04-17. Review status: criteria provided, single submitter. Criteria: Hauer et al. (Genet Med. 2018). Collection method: clinical testing. Allele origin: germline. Inheritance: X-linked recessive inheritance. Affected: yes. Observed: 2 variant alleles.
Comment: This variant has been identified by standard clinical testing.

NM_000044.6(AR):c.2612C>T (p.Ala871Val)

Gene: AR (androgen receptor; plus strand). Cytogenetic location: Xq12.
Variant type: single nucleotide variant.
Coding change: c.2612C>T on transcript NM_000044.6 (MANE Select); coding-DNA position 2612, C replaced by T.
Protein change: p.Ala871Val; replaces alanine 871 with valine.
Molecular consequence: missense variant.
Genome position (GRCh38, 1-based): chrX:67,723,690, C>T. VCF-style: chrX-67723690-C-T. GRCh37 (hg19) VCF-style: chrX-66943532-C-T.
Other names: c.1016C>T, p.Ala339Val (NM_001011645.3); short protein forms A871V, A339V.
Identifiers: ClinVar variation 492801 (VCV000492801.54), dbSNP rs143040492, ClinGen allele CA10436703.
Genomic context (GRCh38, chrX:67,723,690, plus strand): 5'-AGCAGAGGCCACCTCCTTGTCAACCCTGTTTTTCTCCCTCTTATTGTTCCCTACAGATTG[C>T]GAGAGAGCTGCATCAGTTCACTTTTGACCTGCTAATCAAGTCACACATGGTGAGCGTGGA-3'
Protein context (NP_000035.2, residues 861-881): TKLLDSVQPI[Ala871Val]RELHQFTFDL